The following is an entry in ClinVar:

NM_025132.4(WDR19):c.2990C>A (p.Ala997Glu)

Gene: WDR19 (WD repeat domain 19; plus strand). Cytogenetic location: 4p14.
Variant type: single nucleotide variant.
Coding change: c.2990C>A on transcript NM_025132.4 (MANE Select); coding-DNA position 2990, C replaced by A.
Protein change: p.Ala997Glu; replaces alanine 997 with glutamic acid.
Molecular consequence: missense variant.
Genome position (GRCh38, 1-based): chr4:39,254,019, C>A. VCF-style: chr4-39254019-C-A. GRCh37 (hg19) VCF-style: chr4-39255639-C-A.
Other names: c.2510C>A, p.Ala837Glu (NM_001317924.2); short protein forms A837E, A997E.
Identifiers: ClinVar variation 1057169 (VCV001057169.10), dbSNP rs1381022232, ClinGen allele CA356641974.

ClinVar aggregate classification (germline): Uncertain significance (1 of 4 stars; one submission).

Conditions:
Senior-Loken syndrome 8 (SLSN8). Identifiers: Orphanet 3156, MedGen C4225376, MONDO:0014579, OMIM 616307.
Asphyxiating thoracic dystrophy 5 (SRTD5). Also called: SHORT-RIB THORACIC DYSPLASIA 5 WITH OR WITHOUT POLYDACTYLY; SHORT-RIB THORACIC DYSPLASIA 5 WITHOUT POLYDACTYLY. Identifiers: Orphanet 474, MedGen C3280598, MONDO:0013717, OMIM 614376.

Allele frequency attached by ClinVar (database versions not stated): gnomAD exomes below 0.00001.
gnomAD v4.1: 1 of 1,609,862 alleles (0.000062%); highest among the groups gnomAD compares: Non-Finnish European, 0.000085%; no homozygotes.

Submission:

Labcorp Genetics (formerly Invitae), Labcorp
Classification: Uncertain significance for Senior-Loken syndrome 8; Asphyxiating thoracic dystrophy 5. Last evaluated: 2022-03-10. Review status: criteria provided, single submitter. Criteria: Invitae Variant Classification Sherloc (09022015). Collection method: clinical testing. Allele origin: germline.
Comment: In summary, the available evidence is currently insufficient to determine the role of this variant in disease. Therefore, it has been classified as a Variant of Uncertain Significance. Algorithms developed to predict the effect of missense changes on protein structure and function are either unavailable or do not agree on the potential impact of this missense change (SIFT: "Deleterious"; PolyPhen-2: "Possibly Damaging"; Align-GVGD: "Class C15"). ClinVar contains an entry for this variant (Variation ID: 1057169). This variant has not been reported in the literature in individuals affected with WDR19-related conditions. The frequency data for this variant in the population databases is considered unreliable, as metrics indicate poor data quality at this position in the gnomAD database. This sequence change replaces alanine, which is neutral and non-polar, with glutamic acid, which is acidic and polar, at codon 997 of the WDR19 protein (p.Ala997Glu).